The following is an entry in ClinVar:

NM_133379.5(TTN):c.14806A>T (p.Thr4936Ser)

Genes: TTN (titin; minus strand), LOC126806432 (CDK7 strongly-dependent group 2 enhancer GRCh37_chr2:179611985-179613184; plus strand). Cytogenetic location: 2q31.2.
Variant type: single nucleotide variant.
Coding change: c.14806A>T on transcript NM_133379.5; coding-DNA position 14806, A replaced by T.
Protein change: p.Thr4936Ser; replaces threonine 4936 with serine.
Molecular consequence: missense variant. On other transcripts: intron variant (6).
Genome position (GRCh38, 1-based): chr2:178,747,594, T>A on the plus strand (A>T on the coding strand, the complement: TTN is on the minus strand). VCF-style: chr2-178747594-T-A. GRCh37 (hg19) VCF-style: chr2-179612321-T-A.
Other names: p.T4936S:ACT>TCT; c.10360+5530A>T (NM_133378.4, NM_001256850.1); c.10222+5530A>T (NM_003319.4); c.10798+5530A>T (NM_133437.4); c.10597+5530A>T (NM_133432.3); c.11311+5530A>T (NM_001267550.2); c.14806A>T (NM_133379.4); short protein forms T4936S.
Identifiers: ClinVar variation 47777 (VCV000047777.62), dbSNP rs72648909, ClinGen allele CA141874.
Genomic context (GRCh38, chr2:178,747,594, plus strand): 5'-GTTTCTGGTTGTAGTATTCATACACAGTGTTGAAAGTTACTTCTTCCACCTCCATTGAAG[T>A]GATTGATTCACTCTGGACAAGCTTTGCCTGGTCTCTGGTGTCTTTAGTTTCAGGAACCTC-3'

ClinVar aggregate classification (germline): Conflicting classifications of pathogenicity. Review status: criteria provided, conflicting classifications (1 of 4 stars). 12 submissions from 12 submitters: Uncertain significance (3); Likely benign (5). 4 of the submissions do not count toward it. Last evaluated 2026-07-01.

Conditions:
TTN-related disorder. Also called: TTN-related disorders; TTN-related condition; TTN-related disease.
Autosomal recessive limb-girdle muscular dystrophy type 2J (LGMDR10). Also called: MUSCULAR DYSTROPHY, LIMB-GIRDLE, AUTOSOMAL RECESSIVE 10; Limb-girdle muscular dystrophy, type 2J. Identifiers: Orphanet 140922, MedGen C1837342, MONDO:0012127, OMIM 608807.
Myopathy, myofibrillar, 9, with early respiratory failure (MFM9). Also called: EDSTROM MYOPATHY; MYOPATHY, PROXIMAL, WITH EARLY RESPIRATORY MUSCLE INVOLVEMENT; Myopathy, distal, with early respiratory failure, autosomal dominant; Hereditary myopathy with early respiratory failure. Identifiers: Orphanet 178464, Orphanet 34521, MedGen C1863599, MONDO:0011362, OMIM 603689.
Dilated cardiomyopathy 1G (CMD1G). Identifiers: Orphanet 154, MedGen C1858763, MONDO:0011400, OMIM 604145.
Early-onset myopathy with fatal cardiomyopathy (CMYO5). Also called: CONGENITAL MYOPATHY 5 WITH CARDIOMYOPATHY; Salih Myopathy. Identifiers: Orphanet 289377, MedGen C2673677, MONDO:0012714, OMIM 611705. Disease mechanism: loss of function.
Hypertrophic cardiomyopathy 9. Also called: Familial hypertrophic cardiomyopathy 9. Identifiers: MedGen C1861065, MONDO:0013412, OMIM 613765.
Tibial muscular dystrophy (TMD). Also called: UDD MYOPATHY; Udd Distal Myopathy – Tibial Muscular Dystrophy; Tibial muscular dystrophy, tardive. Identifiers: Orphanet 609, MedGen C1838244, MONDO:0010870, OMIM 600334.

Allele frequency attached by ClinVar (database versions not stated): ESP Exome Variant Server 0.00031; 1000 Genomes Project 0.00040; gnomAD 0.00042 and 0.00043; 1000 Genomes Project 30x 0.00047; ExAC 0.00050; TOPMed 0.00050; gnomAD exomes 0.00052.
gnomAD v4.1: 1,149 of 1,613,260 alleles (0.071%); highest among the groups gnomAD compares: Admixed American, 0.1%; 3 homozygotes.

Submissions (12):

CeGaT Center for Human Genetics Tuebingen
Classification: Likely benign. Last evaluated: 2026-07-01. Review status: criteria provided, single submitter. Criteria: CeGaT Center For Human Genetics Tuebingen Variant Classification Criteria Version 2. Collection method: clinical testing. Allele origin: germline. Affected: yes. Observed: 2 variant alleles.
Comment: TTN: BP4, BS2

PreventionGenetics, part of Exact Sciences
Classification: Likely benign for TTN-related condition. Last evaluated: 2025-11-19. Review status: criteria provided, single submitter. Criteria: ACMG Guidelines, 2015. Collection method: clinical testing. Allele origin: germline.
Comment: This variant is classified as likely benign based on ACMG/AMP sequence variant interpretation guidelines (Richards et al. 2015 PMID: 25741868, with internal and published modifications).

Women's Health and Genetics/Laboratory Corporation of America, LabCorp
Classification: Likely benign. Last evaluated: 2025-01-30. Review status: criteria provided, single submitter. Criteria: LabCorp Variant Classification Summary - May 2015. Collection method: clinical testing. Allele origin: germline.
Comment: Variant summary: TTN c.10360+5530A>T is located at a position not widely known to affect splicing. This variant corresponds to c.14806A>T p.Thr4936Ser in NM_133379. Consensus agreement among computation tools predict no significant impact on normal splicing. However, these predictions have yet to be confirmed by functional studies. The variant allele was found at a frequency of 0.00052 in 250424 control chromosomes. The observed variant frequency is approximately 1.34 fold of the estimated maximal expected allele frequency for a pathogenic variant in TTN causing autosomal dominant dilated cardiomyopathy (0.00039). c.10360+5530A>T has been reported in the multiply compound heterozygous state in the literature in at least 1 individual affected with dilated cardiomyopathy, without strong evidence for causality (Pugh_2014). These report(s) do not provide unequivocal conclusions about association of the variant with TTN-related conditions. To our knowledge, no experimental evidence demonstrating an impact on protein function has been reported. The following publication has been ascertained in the context of this evaluation (PMID: 24503780). ClinVar contains an entry for this variant (Variation ID: 47777). Based on the evidence outlined above, the variant was classified as likely benign.

Blueprint Genetics
Classification: Likely benign. Last evaluated: 2024-11-26. Review status: criteria provided, single submitter. Criteria: ACMG Guidelines, 2015. Collection method: clinical testing. Allele origin: germline.

Fulgent Genetics
Classification: Uncertain significance for Tibial muscular dystrophy; Myopathy, myofibrillar, 9, with early respiratory failure; Dilated cardiomyopathy 1G; Autosomal recessive limb-girdle muscular dystrophy type 2J; Early-onset myopathy with fatal cardiomyopathy; Hypertrophic cardiomyopathy 9. Last evaluated: 2021-08-18. Review status: criteria provided, single submitter. Criteria: ACMG Guidelines, 2015. Collection method: clinical testing. Allele origin: unknown.

Laboratory for Molecular Medicine, Mass General Brigham Personalized Medicine
Classification: Likely benign. Last evaluated: 2021-04-28. Review status: criteria provided, single submitter. Criteria: ACMG Guidelines, 2015. Collection method: clinical testing. Allele origin: germline.
Comment: The p.Thr4936Ser variant in TTN is classified as likely benign because it has been identified in 0.09% (32/35326) of Latino chromosomes by gnomAD. It is also located in an exon that is not highly expressed in the heart and is only present in a transcript (Novex -3) whose function is unclear. ACMG/AMP Criteria applied: BP1, BS1.

Eurofins Ntd Llc (ga)
Classification: Uncertain significance. Last evaluated: 2018-06-14. Review status: criteria provided, single submitter. Criteria: EGL ClinVar v180209 classification definitions. Collection method: clinical testing. Allele origin: germline. Observed: 4 variant alleles, 4 heterozygotes.

Biesecker Lab/Clinical Genomics Section, National Institutes of Health
Classification: Uncertain significance. Last evaluated: 2013-06-24. Review status: criteria provided, single submitter. Criteria: Ng et al. (Circ Cardiovasc Genet. 2013). Collection method: research. Allele origin: unknown. Observed: 1 variant allele. Study: ClinSeq.
Comment: The study set was not selected for affection status in relation to any cancer. Pathogenicity categories were based on literature curation. See Pubmed ID:23861362 for details.

Medical sequencing

GeneDx
No classification provided. Last evaluated: 2014-07-28. Review status: no classification provided. Criteria: GeneDx Variant Classification (06012015). Collection method: clinical testing. Allele origin: germline. Affected: yes. Not counted in ClinVar's aggregate classification.
Comment: Missense variants in the TTN gene are considered 'unclassified' if they are not previously reported in the literature and do not have >1% frequency in the population to be considered a polymorphism. Research indicates that truncating mutations in the TTN gene are expected to account for approximately 25% of familial and 18% of sporadic idiopathic DCM; however, truncating variants in the TTN gene have been reported in approximately 3% of reported control alleles. There has been little investigation into non-truncating variants. (Herman D et al. Truncations of titin causing dilated cardiomyopathy. N Eng J Med 366:619-628, 2012) The variant is found in DCM-CRDM panel(s).

Clinical Genetics, Academic Medical Center
Classification: Likely benign. Review status: no assertion criteria provided. Collection method: clinical testing. Allele origin: germline. Affected: yes. Study: VKGL Data-share Consensus. Not counted in ClinVar's aggregate classification.

Diagnostic Laboratory, Department of Genetics, University Medical Center Groningen
Classification: Likely benign. Review status: no assertion criteria provided. Collection method: clinical testing. Allele origin: germline. Affected: yes. Study: VKGL Data-share Consensus. Not counted in ClinVar's aggregate classification.

Joint Genome Diagnostic Labs from Nijmegen and Maastricht, Radboudumc and MUMC+
Classification: Likely benign. Review status: no assertion criteria provided. Collection method: clinical testing. Allele origin: germline. Affected: yes. Study: VKGL Data-share Consensus. Not counted in ClinVar's aggregate classification.

Literature cited by the submitters: PubMed 24503780 (cited by Women's Health and Genetics/Laboratory Corporation of America, LabCorp).